The following is an entry in ClinVar:

NM_000138.5(FBN1):c.6866G>A (p.Cys2289Tyr)

Gene: FBN1 (fibrillin 1; minus strand). Cytogenetic location: 15q21.1.
Variant type: single nucleotide variant.
Coding change: c.6866G>A on transcript NM_000138.5 (MANE Select); coding-DNA position 6866, G replaced by A.
Protein change: p.Cys2289Tyr; replaces cysteine 2289 with tyrosine.
Molecular consequence: missense variant.
Genome position (GRCh38, 1-based): chr15:48,430,676, C>T on the plus strand (G>A on the coding strand, the complement: FBN1 is on the minus strand). VCF-style: chr15-48430676-C-T. GRCh37 (hg19) VCF-style: chr15-48722873-C-T.
Other names: short protein forms C2289Y.
Identifiers: ClinVar variation 653363 (VCV000653363.40), dbSNP rs1566894230, ClinGen allele CA392331867.

ClinVar aggregate classification (germline): Pathogenic. Review status: criteria provided, multiple submitters, no conflicts (2 of 4 stars). 2 submissions from 2 submitters: Pathogenic (2). Last evaluated 2023-03-07.

Conditions:
Familial thoracic aortic aneurysm and aortic dissection (TAAD). Also called: Thoracic aortic aneurysms and dissections. Identifiers: Orphanet 91387, MedGen C4707243, MONDO:0019625.
Marfan syndrome (MFS). Also called: MARFAN SYNDROME, TYPE I; Marfan syndrome type 1; Marfan's syndrome; Marfan syndrome, classic; FBN1-Related Marfan Syndrome. Identifiers: Orphanet 284963, Orphanet 558, MedGen C0024796, MONDO:0007947, OMIM 154700.

Submissions (2):

Labcorp Genetics (formerly Invitae), Labcorp
Classification: Pathogenic for Marfan syndrome; Familial thoracic aortic aneurysm and aortic dissection. Last evaluated: 2023-03-07. Review status: criteria provided, single submitter. Criteria: Invitae Variant Classification Sherloc (09022015). Collection method: clinical testing. Allele origin: germline.
Comment: For these reasons, this variant has been classified as Pathogenic. This variant disrupts the p.Cys2289 amino acid residue in FBN1. Other variant(s) that disrupt this residue have been observed in individuals with FBN1-related conditions (PMID: 26621581), which suggests that this may be a clinically significant amino acid residue. This variant affects a cysteine residue in the EGF-like, TGFBP or hybrid motif domains of FBN1. Cysteine residues are believed to be involved in intramolecular disulfide bridges and have been shown to be important for FBN1 protein structure (PMID: 16905551, 19349279). In addition, missense substitutions affecting cysteine residues within these domains are significantly overrepresented among patients with Marfan syndrome (PMID: 16571647, 17701892). Advanced modeling of protein sequence and biophysical properties (such as structural, functional, and spatial information, amino acid conservation, physicochemical variation, residue mobility, and thermodynamic stability) performed at Invitae indicates that this missense variant is expected to disrupt FBN1 protein function. ClinVar contains an entry for this variant (Variation ID: 653363). This missense change has been observed in individuals with Marfan syndrome (PMID: 19293843). This variant is not present in population databases (gnomAD no frequency). This sequence change replaces cysteine, which is neutral and slightly polar, with tyrosine, which is neutral and polar, at codon 2289 of the FBN1 protein (p.Cys2289Tyr).

CeGaT Center for Human Genetics Tuebingen
Classification: Pathogenic. Last evaluated: 2022-02-01. Review status: criteria provided, single submitter. Criteria: CeGaT Center For Human Genetics Tuebingen Variant Classification Criteria Version 2. Collection method: clinical testing. Allele origin: germline. Affected: yes. Observed: 1 variant allele.

Literature cited by the submitters: PubMed 26621581 (cited by Labcorp Genetics (formerly Invitae), Labcorp); PubMed 16905551 (cited by Labcorp Genetics (formerly Invitae), Labcorp); PubMed 19349279 (cited by Labcorp Genetics (formerly Invitae), Labcorp); PubMed 16571647 (cited by Labcorp Genetics (formerly Invitae), Labcorp); PubMed 17701892 (cited by Labcorp Genetics (formerly Invitae), Labcorp); PubMed 19293843 (cited by Labcorp Genetics (formerly Invitae), Labcorp).